The following is an entry in ClinVar:

ClinVar aggregate classification (germline): Uncertain significance (1 of 4 stars; one submission).

gnomAD v4.1: 2 of 1,614,218 alleles (0.00012%); highest among the groups gnomAD compares: South Asian, 0.0022%; no homozygotes.

Submission:

Laboratorio de Genetica e Diagnostico Molecular, Hospital Israelita Albert Einstein
Classification: Uncertain significance. Last evaluated: 2021-09-03. Review status: criteria provided, single submitter. Criteria: ACMG Guidelines, 2015. Collection method: clinical testing. Allele origin: germline. Affected: yes.
Comment: ACMG classification criteria: PM2, BP4

NM_001348323.3(TRIP12):c.713C>G (p.Ser238Cys)

Gene: TRIP12 (thyroid hormone receptor interactor 12; minus strand). Cytogenetic location: 2q36.3.
Variant type: single nucleotide variant.
Coding change: c.713C>G on transcript NM_001348323.3 (MANE Select); coding-DNA position 713, C replaced by G.
Protein change: p.Ser238Cys; replaces serine 238 with cysteine.
Molecular consequence: missense variant. On other transcripts: intron variant (1).
Genome position (GRCh38, 1-based): chr2:229,859,086, G>C on the plus strand (C>G on the coding strand, the complement: TRIP12 is on the minus strand). VCF-style: chr2-229859086-G-C. GRCh37 (hg19) VCF-style: chr2-230723802-G-C.
Other names: c.713C>G, p.Ser238Cys (NM_001284214.2, NM_001348315.2, NM_001348319.1 and 15 more transcripts); c.587C>G, p.Ser196Cys (NM_001284215.2, NM_001348316.2, NM_001348317.1 and 3 more transcripts); c.98+20896C>G (NM_001284216.2); short protein forms S196C, S238C.
Identifiers: ClinVar variation 1691042 (VCV001691042.2), dbSNP rs763654046, ClinGen allele CA350896259.